The following is an entry in ClinVar:

NM_004453.4(ETFDH):c.1652C>T (p.Ser551Leu)

Gene: ETFDH (electron transfer flavoprotein dehydrogenase; plus strand). Cytogenetic location: 4q32.1.
Variant type: single nucleotide variant.
Coding change: c.1652C>T on transcript NM_004453.4 (MANE Select); coding-DNA position 1652, C replaced by T.
Protein change: p.Ser551Leu; replaces serine 551 with leucine.
Molecular consequence: missense variant.
Genome position (GRCh38, 1-based): chr4:158,706,812, C>T. VCF-style: chr4-158706812-C-T. GRCh37 (hg19) VCF-style: chr4-159627964-C-T.
Other names: c.1511C>T, p.Ser504Leu (NM_001281737.2); c.1469C>T, p.Ser490Leu (NM_001281738.1); c.1652C>T (NM_004453.2); short protein forms S490L, S504L, S551L.
Identifiers: ClinVar variation 1163839 (VCV001163839.8), dbSNP rs772351035, ClinGen allele CA3122679.

ClinVar aggregate classification (germline): Uncertain significance. Review status: criteria provided, multiple submitters, no conflicts (2 of 4 stars). 4 submissions from 4 submitters: Uncertain significance (4). Last evaluated 2026-02-24.

Conditions:
Inborn genetic diseases. Identifiers: MedGen C0950123, MeSH D030342.
Multiple acyl-CoA dehydrogenase deficiency (MADD). Also called: ETHYLMALONIC-ADIPICACIDURIA; GA II; Glutaric acidemia type II; GA 2; Glutaric Acidemia type 2; Glutaric aciduria, type 2. Identifiers: Orphanet 26791, MedGen C0268596, MONDO:0009282, OMIM 231680.

Allele frequency attached by ClinVar (database versions not stated): ExAC 0.00002; gnomAD exomes 0.00003 and 0.00004; gnomAD 0.00009 and 0.00010; TOPMed 0.00009.

Submissions (4):

GeneDx
Classification: Uncertain significance. Last evaluated: 2026-02-24. Review status: criteria provided, single submitter. Criteria: GeneDx Variant Classification Process June 2021. Collection method: clinical testing. Allele origin: germline.
Comment: In silico analysis supports that this missense variant has a deleterious effect on protein structure/function; Has not been previously published as pathogenic or benign to our knowledge

Ambry Genetics
Classification: Uncertain significance for Inborn genetic diseases. Last evaluated: 2024-08-27. Review status: criteria provided, single submitter. Criteria: Ambry Variant Classification Scheme 2023. Collection method: clinical testing. Allele origin: germline.

Labcorp Genetics (formerly Invitae), Labcorp
Classification: Uncertain significance for Multiple acyl-CoA dehydrogenase deficiency. Last evaluated: 2022-07-19. Review status: criteria provided, single submitter. Criteria: Invitae Variant Classification Sherloc (09022015). Collection method: clinical testing. Allele origin: germline.
Comment: This sequence change replaces serine, which is neutral and polar, with leucine, which is neutral and non-polar, at codon 551 of the ETFDH protein (p.Ser551Leu). This variant is present in population databases (rs772351035, gnomAD 0.03%). This variant has not been reported in the literature in individuals affected with ETFDH-related conditions. ClinVar contains an entry for this variant (Variation ID: 1163839). Advanced modeling of protein sequence and biophysical properties (such as structural, functional, and spatial information, amino acid conservation, physicochemical variation, residue mobility, and thermodynamic stability) performed at Invitae indicates that this missense variant is not expected to disrupt ETFDH protein function. In summary, the available evidence is currently insufficient to determine the role of this variant in disease. Therefore, it has been classified as a Variant of Uncertain Significance.

Mayo Clinic Laboratories, Mayo Clinic
Classification: Uncertain significance. Last evaluated: 2019-04-29. Review status: criteria provided, single submitter. Criteria: ACMG Guidelines, 2015. Collection method: clinical testing. Allele origin: germline. Observed: 1 variant allele.